The following is an entry in ClinVar:

NM_001035.3(RYR2):c.8852G>A (p.Gly2951Glu)

Gene: RYR2 (ryanodine receptor 2; plus strand). Cytogenetic location: 1q43.
Variant type: single nucleotide variant.
Coding change: c.8852G>A on transcript NM_001035.3 (MANE Select); coding-DNA position 8852, G replaced by A.
Protein change: p.Gly2951Glu; replaces glycine 2951 with glutamic acid.
Molecular consequence: missense variant.
Genome position (GRCh38, 1-based): chr1:237,678,069, G>A. VCF-style: chr1-237678069-G-A. GRCh37 (hg19) VCF-style: chr1-237841369-G-A.
Other names: c.8852G>A (NM_001035.2); short protein forms G2951E.
Identifiers: ClinVar variation 3073816 (VCV003073816.2), dbSNP rs2547236501, ClinGen allele CA345403596.

ClinVar aggregate classification (germline): Uncertain significance. Review status: criteria provided, multiple submitters, no conflicts (2 of 4 stars). 2 submissions from 2 submitters: Uncertain significance (2). Last evaluated 2026-05-24.

Conditions:
Catecholaminergic polymorphic ventricular tachycardia (CVPT). Also called: Catecholamine-induced polymorphic ventricular tachycardia. Identifiers: Orphanet 3286, MedGen C5574922, MONDO:0017990.
Cardiovascular phenotype. Identifiers: MedGen CN230736.

Submissions (2):

Ambry Genetics
Classification: Uncertain significance for Cardiovascular phenotype. Last evaluated: 2026-05-24. Review status: criteria provided, single submitter. Criteria: Ambry Variant Classification Scheme 2023. Collection method: clinical testing. Allele origin: germline.
Comment: The p.G2951E variant (also known as c.8852G>A), located in coding exon 61 of the RYR2 gene, results from a G to A substitution at nucleotide position 8852. The glycine at codon 2951 is replaced by glutamic acid, an amino acid with similar properties. This amino acid position is conserved. In addition, the in silico prediction for this alteration is inconclusive. Based on the available evidence, the clinical significance of this variant remains unclear.

All of Us Research Program, National Institutes of Health
Classification: Uncertain significance for Catecholaminergic polymorphic ventricular tachycardia. Last evaluated: 2023-10-06. Review status: criteria provided, single submitter. Criteria: ACMG Guidelines, 2015. Collection method: clinical testing. Allele origin: germline. Inheritance: Autosomal dominant inheritance. Observed: 1 variant allele, 1 heterozygote.
Comment: This missense variant replaces glycine with glutamic acid at codon 2951 of the RYR2 protein. Computational prediction is inconclusive regarding the impact of this variant on protein structure and function (internally defined REVEL score threshold 0.5 < inconclusive < 0.7, PMID: 27666373). To our knowledge, functional studies have not been reported for this variant. This variant has not been reported in individuals affected with RYR2-related disorders in the literature. This variant has not been identified in the general population by the Genome Aggregation Database (gnomAD). The available evidence is insufficient to determine the role of this variant in disease conclusively. Therefore, this variant is classified as a Variant of Uncertain Significance.

This study involves interpretation of variants in research participants for the purpose of population health screening. Participant phenotype was not available at the time of variant classification. Additional details can be found in publication PMID: 35346344, PMCID: PMC8962531